The following is an entry in ClinVar:

NM_015102.5(NPHP4):c.111G>A (p.Trp37Ter)

Gene: NPHP4 (nephrocystin 4; minus strand). Cytogenetic location: 1p36.31.
Variant type: single nucleotide variant.
Coding change: c.111G>A on transcript NM_015102.5 (MANE Select); coding-DNA position 111, G replaced by A.
Protein change: p.Trp37Ter; replaces tryptophan 37 with a stop codon.
Molecular consequence: nonsense. On other transcripts: 5 prime UTR variant (1), non-coding transcript variant (1), intron variant (1).
Genome position (GRCh38, 1-based): chr1:5,986,179, C>T on the plus strand (G>A on the coding strand, the complement: NPHP4 is on the minus strand). VCF-style: chr1-5986179-C-T. GRCh37 (hg19) VCF-style: chr1-6046239-C-T.
Other names: c.-1119G>A (NM_001291593.2); c.-1088+6065G>A (NM_001291594.2); short protein forms W37*.
Identifiers: ClinVar variation 3587242 (VCV003587242.4).

ClinVar aggregate classification (germline): Pathogenic/Likely pathogenic. Review status: criteria provided, multiple submitters, no conflicts (2 of 4 stars). 3 submissions from 3 submitters: Pathogenic (2); Likely pathogenic (1). Last evaluated 2024-12-18.

Conditions:
NPHP4-related disorder. Also called: NPHP4-related condition; NPHP4-related disorders. Identifiers: MedGen CN239384.
Nephronophthisis. Also called: Juvenile Nephronophthisis. Identifiers: Orphanet 655, MedGen C0687120, MONDO:0019005, HP:0000090.
Nephronophthisis 4 (NPHP4). Also called: NEPHRONOPHTHISIS 4, JUVENILE. Identifiers: Orphanet 655, MedGen C1847013, MONDO:0011752, OMIM 606966.
Senior-Loken syndrome 4 (SLSN4). Identifiers: Orphanet 3156, MedGen C1846979, MONDO:0011756, OMIM 606996.

gnomAD v4.1: 6 of 1,613,878 alleles (0.00037%); highest among the groups gnomAD compares: Non-Finnish European, 0.00051%; no homozygotes.

Submissions (3):

Labcorp Genetics (formerly Invitae), Labcorp
Classification: Pathogenic for Nephronophthisis. Last evaluated: 2024-12-18. Review status: criteria provided, single submitter. Criteria: Invitae Variant Classification Sherloc (09022015). Collection method: clinical testing. Allele origin: germline.
Comment: This sequence change creates a premature translational stop signal (p.Trp37*) in the NPHP4 gene. It is expected to result in an absent or disrupted protein product. Loss-of-function variants in NPHP4 are known to be pathogenic (PMID: 12205563, 23559409). This variant is not present in population databases (gnomAD no frequency). This premature translational stop signal has been observed in individual(s) with retinitis pigmentosa (PMID: 24154662). For these reasons, this variant has been classified as Pathogenic.

Fulgent Genetics
Classification: Pathogenic for Nephronophthisis 4; Senior-Loken syndrome 4. Last evaluated: 2024-05-18. Review status: criteria provided, single submitter. Criteria: ACMG Guidelines, 2015. Collection method: clinical testing. Allele origin: germline.

Blueprint Genetics
Classification: Likely pathogenic for NPHP4-related disorders. Last evaluated: 2019-05-16. Review status: criteria provided, single submitter. Criteria: ACMG Guidelines, 2015. Collection method: clinical testing. Allele origin: germline. Affected: yes. Observed: 1 variant allele.

Literature cited by the submitters: PubMed 12205563 (cited by Labcorp Genetics (formerly Invitae), Labcorp); PubMed 23559409 (cited by Labcorp Genetics (formerly Invitae), Labcorp); PubMed 24154662 (cited by Labcorp Genetics (formerly Invitae), Labcorp).